The following is an entry in ClinVar:

ClinVar aggregate classification (germline): Benign/Likely benign. Review status: criteria provided, multiple submitters, no conflicts (2 of 4 stars). 7 submissions from 7 submitters: Benign (1); Likely benign (5). 1 of the submissions does not count toward it. Last evaluated 2025-07-30.

Conditions:
Familial adenomatous polyposis 1 (FAP1). Also called: FAMILIAL ADENOMATOUS POLYPOSIS 1, ATTENUATED; POLYPOSIS, ADENOMATOUS INTESTINAL. Identifiers: MedGen C2713442, MONDO:0021056, OMIM 175100. Disease mechanism: loss of function.
Classic or attenuated familial adenomatous polyposis. Identifiers: MedGen CN372698, MONDO:0021057.
Hereditary cancer-predisposing syndrome. Also called: Tumor predisposition; Hereditary neoplastic syndrome; Neoplastic Syndromes, Hereditary; Hereditary Cancer Syndrome. Identifiers: Orphanet 140162, MedGen C0027672, MeSH D009386, MONDO:0015356.

Allele frequency attached by ClinVar (database versions not stated): gnomAD exomes below 0.00001; TOPMed below 0.00001; ExAC 0.00002.
gnomAD v4.1: 52 of 1,613,958 alleles (0.0032%); highest among the groups gnomAD compares: Non-Finnish European, 0.0044%; no homozygotes.

Submissions (7):

Labcorp Genetics (formerly Invitae), Labcorp
Classification: Likely benign for Familial adenomatous polyposis 1. Last evaluated: 2025-07-30. Review status: criteria provided, single submitter. Criteria: Invitae Variant Classification Sherloc (09022015). Collection method: clinical testing. Allele origin: germline.

Myriad Genetics, Inc.
Classification: Benign for Familial adenomatous polyposis 1. Last evaluated: 2024-04-10. Review status: criteria provided, single submitter. Criteria: Myriad Autosomal Dominant, Autosomal Recessive and X-Linked Classification Criteria (2023). Collection method: clinical testing. Allele origin: unknown.
Comment: This variant is considered benign. This variant is a silent/synonymous amino acid change and it is not expected to impact splicing.

All of Us Research Program, National Institutes of Health
Classification: Likely benign for Classic or attenuated familial adenomatous polyposis. Last evaluated: 2023-12-01. Review status: criteria provided, single submitter. Criteria: ACMG Guidelines, 2015. Collection method: clinical testing. Allele origin: germline. Inheritance: Autosomal dominant inheritance. Observed: 1 variant allele, 1 heterozygote.
Comment: This study involves interpretation of variants in research participants for the purpose of population health screening. Participant phenotype was not available at the time of variant classification. Additional details can be found in publication PMID: 35346344, PMCID: PMC8962531

Quest Diagnostics Nichols Institute San Juan Capistrano
Classification: Likely benign. Last evaluated: 2017-06-27. Review status: criteria provided, single submitter. Criteria: Quest Diagnostics criteria. Collection method: clinical testing. Allele origin: germline.

Ambry Genetics
Classification: Likely benign for Hereditary cancer-predisposing syndrome. Last evaluated: 2016-11-18. Review status: criteria provided, single submitter. Criteria: Ambry Variant Classification Scheme 2023. Collection method: clinical testing. Allele origin: germline.

Color Diagnostics, LLC DBA Color Health
Classification: Likely benign for Hereditary cancer-predisposing syndrome. Last evaluated: 2016-09-23. Review status: criteria provided, single submitter. Criteria: ACMG Guidelines, 2015. Collection method: clinical testing. Allele origin: germline.

True Health Diagnostics
Classification: Likely benign for Hereditary cancer-predisposing syndrome. Last evaluated: 2017-08-14. Review status: no assertion criteria provided. Collection method: clinical testing. Allele origin: germline. Not counted in ClinVar's aggregate classification.

NM_000038.6(APC):c.7536T>C (p.Ser2512=)

Gene: APC (APC regulator of Wnt signaling pathway; plus strand). Cytogenetic location: 5q22.2.
Variant type: single nucleotide variant.
Coding change: c.7536T>C on transcript NM_000038.6 (MANE Select); coding-DNA position 7536, T replaced by C.
Protein change: p.Ser2512=; no amino-acid change (serine 2512 retained).
Molecular consequence: synonymous variant.
Genome position (GRCh38, 1-based): chr5:112,843,130, T>C. VCF-style: chr5-112843130-T-C. GRCh37 (hg19) VCF-style: chr5-112178827-T-C.
Other names: CCDS4107.1:c.7536T>C; c.7536T>C, p.Ser2512= (NM_001127510.3, NM_001354895.2); c.7482T>C, p.Ser2494= (NM_001127511.3); c.7590T>C, p.Ser2530= (NM_001354896.2); c.7566T>C, p.Ser2522= (NM_001354897.2); c.7461T>C, p.Ser2487= (NM_001354898.2); c.7452T>C, p.Ser2484= (NM_001354899.2); c.7413T>C, p.Ser2471= (NM_001354900.2); and 6 more.
Identifiers: ClinVar variation 135718 (VCV000135718.22), dbSNP rs587780604, ClinGen allele CA013781.